The following is an entry in ClinVar:

ClinVar aggregate classification (germline): Likely benign (1 of 4 stars; one submission).

Allele frequency attached by ClinVar (database versions not stated): gnomAD exomes below 0.00001; TOPMed 0.00001.
gnomAD v4.1: 1 of 1,596,750 alleles (0.000063%); highest among the groups gnomAD compares: African/African-American, 0.0013%; no homozygotes.

Submission:

GeneDx
Classification: Likely benign. Last evaluated: 2018-01-08. Review status: criteria provided, single submitter. Criteria: GeneDx Variant Classification (06012015). Collection method: clinical testing. Allele origin: germline. Affected: yes.
Comment: This variant is considered likely benign or benign based on one or more of the following criteria: it is a conservative change, it occurs at a poorly conserved position in the protein, it is predicted to be benign by multiple in silico algorithms, and/or has population frequency not consistent with disease.

NM_133259.4(LRPPRC):c.1583-17G>A

Gene: LRPPRC (leucine rich pentatricopeptide repeat containing; minus strand). Cytogenetic location: 2p21.
Variant type: single nucleotide variant.
Coding change: c.1583-17G>A on transcript NM_133259.4 (MANE Select); 17 bases into the intron before coding-DNA position 1583, G replaced by A.
Molecular consequence: intron variant.
Genome position (GRCh38, 1-based): chr2:43,957,468, C>T on the plus strand (G>A on the coding strand, the complement: LRPPRC is on the minus strand). VCF-style: chr2-43957468-C-T. GRCh37 (hg19) VCF-style: chr2-44184607-C-T.
Identifiers: ClinVar variation 514775 (VCV000514775.1), dbSNP rs1410002648, ClinGen allele CA532288107.
Genomic context (GRCh38, chr2:43,957,468, plus strand): 5'-ACTTCTTATAGACTGCAGCGAGATGGGCAATGTATTTGATTTCACTGCAAAAGAAAATGA[C>T]CATCATTAAATCTCAGACCAAACAAATTTAAAAACCCTGTATTATCAAATTGAAAACATA-3'